The following is an entry in ClinVar:

NM_004336.5(BUB1):c.2726A>G (p.His909Arg)

Gene: BUB1 (BUB1 mitotic checkpoint serine/threonine kinase; minus strand). Cytogenetic location: 2q13.
Variant type: single nucleotide variant.
Coding change: c.2726A>G on transcript NM_004336.5 (MANE Select); coding-DNA position 2726, A replaced by G.
Protein change: p.His909Arg; replaces histidine 909 with arginine.
Molecular consequence: missense variant. On other transcripts: intron variant (1).
Genome position (GRCh38, 1-based): chr2:110,641,364, T>C on the plus strand (A>G on the coding strand, the complement: BUB1 is on the minus strand). VCF-style: chr2-110641364-T-C. GRCh37 (hg19) VCF-style: chr2-111398941-T-C.
Other names: c.2666A>G, p.His889Arg (NM_001278616.2); c.2626-172A>G (NM_001278617.2); short protein forms H889R, H909R.
Identifiers: ClinVar variation 1795237 (VCV001795237.2), dbSNP rs2467971093, ClinGen allele CA348089605.
Genomic context (GRCh38, chr2:110,641,364, plus strand): 5'-TGCCCGTTTCCAAGTATGAAATTGTCTGGTTTAATGTCTCCATGAATGATTTCACAGTCA[T>C]GCACTTGCTCAATCATGTAAAGCATTCTCATAGCAAAAGAGATGACAAGACCTTGAGGCA-3'
Protein context (NP_004327.1, residues 899-919): MRMLYMIEQV[His909Arg]DCEIIHGDIK

ClinVar aggregate classification (germline): Uncertain significance (1 of 4 stars; one submission).

Allele frequency attached by ClinVar (database versions not stated): gnomAD exomes below 0.00001.
gnomAD v4.1: 1 of 1,614,108 alleles (0.000062%); highest among the groups gnomAD compares: South Asian, 0.0011%; no homozygotes.

Submission:

Ambry Genetics
Classification: Uncertain significance. Last evaluated: 2024-02-13. Review status: criteria provided, single submitter. Criteria: Ambry Variant Classification Scheme 2023. Collection method: clinical testing. Allele origin: germline.
Comment: The p.H909R variant (also known as c.2726A>G), located in coding exon 22 of the BUB1 gene, results from an A to G substitution at nucleotide position 2726. The histidine at codon 909 is replaced by arginine, an amino acid with highly similar properties. This amino acid position is conserved. In addition, this alteration is predicted to be deleterious by in silico analysis. Since supporting evidence is limited at this time, the clinical significance of this alteration remains unclear.